The following is an entry in ClinVar:

NM_001018116.2(CAVIN4):c.168G>C (p.Glu56Asp)

Gene: CAVIN4 (caveolae associated protein 4; plus strand). Cytogenetic location: 9q31.1.
Variant type: single nucleotide variant.
Coding change: c.168G>C on transcript NM_001018116.2 (MANE Select); coding-DNA position 168, G replaced by C.
Protein change: p.Glu56Asp; replaces glutamic acid 56 with aspartic acid.
Molecular consequence: missense variant.
Genome position (GRCh38, 1-based): chr9:100,578,311, G>C. VCF-style: chr9-100578311-G-C. GRCh37 (hg19) VCF-style: chr9-103340593-G-C.
Other names: short protein forms E56D.
Identifiers: ClinVar variation 930062 (VCV000930062.5), dbSNP rs947295697, ClinGen allele CA196935085.

ClinVar aggregate classification (germline): Uncertain significance (1 of 4 stars; one submission).

Allele frequency attached by ClinVar (database versions not stated): gnomAD exomes below 0.00001; gnomAD 0.00001; TOPMed 0.00001.
gnomAD v4.1: 5 of 1,613,976 alleles (0.00031%); highest among the groups gnomAD compares: Non-Finnish European, 0.00042%; no homozygotes.

Submission:

Laboratory for Molecular Medicine, Mass General Brigham Personalized Medicine
Classification: Uncertain significance. Last evaluated: 2020-12-15. Review status: criteria provided, single submitter. Criteria: ACMG Guidelines, 2015. Collection method: clinical testing. Allele origin: germline.
Comment: The p.Glu56Asp variant in CAVIN4 (previously known as MURC) has not been previously reported in individuals with cardiomyopathy but has been identified in 0.0009% (1/113566) of European chromosomes by gnomAD. Computational prediction tools and conservation analysis do not provide strong support for or against an impact to the protein. In summary, the clinical significance of this variant is uncertain. ACMG/AMP Criteria applied: PM2_Supporting.